The following is an entry in ClinVar:

ClinVar aggregate classification (germline): Pathogenic/Likely pathogenic. Review status: criteria provided, multiple submitters, no conflicts (2 of 4 stars). 2 submissions from 2 submitters: Pathogenic (1); Likely pathogenic (1). Last evaluated 2026-10-01.

Conditions:
Chondrodysplasia punctata, brachytelephalangic, autosomal. Also called: BRACHYTELEPHALANGIC CHONDRODYSPLASIA PUNCTATA. Identifiers: MedGen C1844853, MONDO:0011238, OMIM 602497.

Submissions (2):

GeneDx
Classification: Likely pathogenic. Last evaluated: 2026-10-01. Review status: criteria provided, single submitter. Criteria: GeneDx Variant Classification Process June 2021. Collection method: clinical testing. Allele origin: germline.
Comment: Nonsense variant predicted to result in protein truncation as the last 9 amino acid(s) are lost; Not observed at significant frequency in large population cohorts (gnomAD); This variant is associated with the following publications: (PMID: 34529350, 32860008, 39313411, Toda2024[article], 9863597, 30084160)

Women's Health and Genetics/Laboratory Corporation of America, LabCorp
Classification: Pathogenic for Chondrodysplasia punctata, brachytelephalangic, autosomal. Last evaluated: 2026-05-13. Review status: criteria provided, single submitter. Criteria: LabCorp Variant Classification Summary - May 2015. Collection method: clinical testing. Allele origin: germline.
Comment: Variant summary: ARSL c.1742G>A (p.Trp581X) results in a premature termination codon in the last exon and is predicted to cause a truncation of the encoded protein however, nonsense mediated decay is not expected to occur. The variant was absent in 197636 control chromosomes. p.Trp581X has been reported in multiple individuals affected with X-Linked Recessive Chondrodysplasia Punctata 1. These data indicate that the variant is very likely to be associated with disease. To our knowledge, no experimental evidence demonstrating an impact on protein function has been reported. The following publications have been ascertained in the context of this evaluation (PMID: 9863597, 12567415). ClinVar contains an entry for this variant (Variation ID: 3384622). Based on the evidence outlined above, the variant was classified as pathogenic.

Literature cited by the submitters: PubMed 9863597 (cited by Women's Health and Genetics/Laboratory Corporation of America, LabCorp); PubMed 12567415 (cited by Women's Health and Genetics/Laboratory Corporation of America, LabCorp).

NM_000047.3(ARSL):c.1742G>A (p.Trp581Ter)

Gene: ARSL (arylsulfatase L; minus strand). Cytogenetic location: Xp22.33.
Variant type: single nucleotide variant.
Coding change: c.1742G>A on transcript NM_000047.3 (MANE Select); coding-DNA position 1742, G replaced by A.
Protein change: p.Trp581Ter; replaces tryptophan 581 with a stop codon.
Molecular consequence: nonsense.
Genome position (GRCh38, 1-based): chrX:2,934,860, C>T on the plus strand (G>A on the coding strand, the complement: ARSL is on the minus strand). VCF-style: chrX-2934860-C-T. GRCh37 (hg19) VCF-style: chrX-2852901-C-T.
Other names: c.1817G>A, p.Trp606Ter (NM_001282628.2, NM_001369080.1); c.1580G>A, p.Trp527Ter (NM_001282631.2); c.1769G>A, p.Trp590Ter (NM_001369079.1); short protein forms W527*, W581*, W590*, W606*.
Identifiers: ClinVar variation 3384622 (VCV003384622.4).
Genomic context (GRCh38, chrX:2,934,860, plus strand): 5'-GAATCGGGGCTCCAGCTTTTCACTGCAGACATTTATTGTGGGTCATCTTCCCTAAGGCAC[C>T]AGCAGAGGGGGAACGGGCCACAGCAGGGCTGCAGCCACGGTCTCCAGATGTTGCCCAGCC-3'